The following is an entry in ClinVar:

ClinVar aggregate classification (germline): Uncertain significance (1 of 4 stars; one submission).

Conditions:
Hereditary cancer-predisposing syndrome. Also called: Neoplastic Syndromes, Hereditary; Hereditary Cancer Syndrome; Hereditary neoplastic syndrome; Tumor predisposition. Identifiers: Orphanet 140162, MedGen C0027672, MeSH D009386, MONDO:0015356.

Submission:

Ambry Genetics
Classification: Uncertain significance for Hereditary cancer-predisposing syndrome. Last evaluated: 2023-04-18. Review status: criteria provided, single submitter. Criteria: Ambry Variant Classification Scheme 2023. Collection method: clinical testing. Allele origin: germline.
Comment: The p.M139K variant (also known as c.416T>A), located in coding exon 4 of the TSC1 gene, results from a T to A substitution at nucleotide position 416. The methionine at codon 139 is replaced by lysine, an amino acid with similar properties. This amino acid position is conserved. In addition, this alteration is predicted to be deleterious by in silico analysis. Since supporting evidence is limited at this time, the clinical significance of this alteration remains unclear.

NM_000368.5(TSC1):c.416T>A (p.Met139Lys)

Gene: TSC1 (TSC complex subunit 1; minus strand). Cytogenetic location: 9q34.13.
Variant type: single nucleotide variant.
Coding change: c.416T>A on transcript NM_000368.5 (MANE Select); coding-DNA position 416, T replaced by A.
Protein change: p.Met139Lys; replaces methionine 139 with lysine.
Molecular consequence: missense variant. On other transcripts: 5 prime UTR variant (5), non-coding transcript variant (5).
Genome position (GRCh38, 1-based): chr9:132,923,440, A>T on the plus strand (T>A on the coding strand, the complement: TSC1 is on the minus strand). VCF-style: chr9-132923440-A-T. GRCh37 (hg19) VCF-style: chr9-135798827-A-T.
Other names: c.416T>A, p.Met139Lys (NM_001162426.2, NM_001406592.1, NM_001406593.1 and 16 more transcripts); c.263T>A, p.Met88Lys (NM_001162427.2, NM_001406610.1, NM_001406611.1 and 2 more transcripts); c.53T>A, p.Met18Lys (NM_001362177.2, NM_001406614.1, NM_001406615.1 and 10 more transcripts); c.-462T>A (NM_001406626.1, NM_001406627.1, NM_001406628.1); c.-604T>A (NM_001406629.1); c.-678T>A (NM_001406630.1); short protein forms M18K, M88K, M139K.
Identifiers: ClinVar variation 2562878 (VCV002562878.2), dbSNP rs2539040929, ClinGen allele CA375373538.
Genomic context (GRCh38, chr9:132,923,440, plus strand): 5'-CCAAAAATGTCAAAGAAATCAAGAAGATGCTGTTTCCCAGACTGTGGAATCATTGGTAGC[A>T]TGGTTATCAACACCAAGACGCCTGTTGTGAGGACAACGACGTCAGTGTCCATCTGCAGGA-3'
Protein context (NP_000359.1, residues 129-149): LTTGVLVLIT[Met139Lys]LPMIPQSGKQ